The following is an entry in ClinVar:

ClinVar aggregate classification (germline): Uncertain significance (1 of 4 stars; one submission).

Conditions:
Inborn genetic diseases. Identifiers: MedGen C0950123, MeSH D030342.

Submission:

Ambry Genetics
Classification: Uncertain significance for Inborn genetic diseases. Last evaluated: 2025-05-31. Review status: criteria provided, single submitter. Criteria: Ambry Variant Classification Scheme 2023. Collection method: clinical testing. Allele origin: germline.
Comment: The p.R1038T variant (also known as c.3113G>C), located in coding exon 24 of the ANKRD26 gene, results from a G to C substitution at nucleotide position 3113. The arginine at codon 1038 is replaced by threonine, an amino acid with similar properties. This amino acid position is conserved. In addition, this alteration is predicted to be tolerated by in silico analysis. Based on the available evidence, the clinical significance of this variant remains unclear.

NM_014915.3(ANKRD26):c.3113G>C (p.Arg1038Thr)

Gene: ANKRD26 (ankyrin repeat domain containing 26; minus strand). Cytogenetic location: 10p12.1.
Variant type: single nucleotide variant.
Coding change: c.3113G>C on transcript NM_014915.3 (MANE Select); coding-DNA position 3113, G replaced by C.
Protein change: p.Arg1038Thr; replaces arginine 1038 with threonine.
Molecular consequence: missense variant.
Genome position (GRCh38, 1-based): chr10:27,035,337, C>G on the plus strand (G>C on the coding strand, the complement: ANKRD26 is on the minus strand). VCF-style: chr10-27035337-C-G. GRCh37 (hg19) VCF-style: chr10-27324266-C-G.
Other names: c.3110G>C, p.Arg1037Thr (NM_001256053.2); short protein forms R1037T, R1038T.
Identifiers: ClinVar variation 3914932 (VCV003914932.1).